The following is an entry in ClinVar:

ClinVar aggregate classification (germline): Pathogenic. Review status: criteria provided, multiple submitters, no conflicts (2 of 4 stars). 2 submissions from 2 submitters: Pathogenic (2). Last evaluated 2023-08-14.

Conditions:
Lynch syndrome 5 (LYNCH5). Also called: Hereditary non-polyposis colorectal cancer, type 5; Colorectal cancer, hereditary nonpolyposis, type 5. Identifiers: Orphanet 144, MedGen C1833477, MONDO:0013710, OMIM 614350. Disease mechanism: loss of function.
Hereditary nonpolyposis colorectal neoplasms. Identifiers: MedGen C0009405, MeSH D003123.

Submissions (2):

Myriad Genetics, Inc.
Classification: Pathogenic for Lynch syndrome 5. Last evaluated: 2023-08-14. Review status: criteria provided, single submitter. Criteria: Myriad Autosomal Dominant, Autosomal Recessive and X-Linked Classification Criteria (2023). Collection method: clinical testing. Allele origin: unknown.
Comment: This variant is considered pathogenic. This variant creates a termination codon and is predicted to result in premature protein truncation.

Labcorp Genetics (formerly Invitae), Labcorp
Classification: Pathogenic for Hereditary nonpolyposis colorectal neoplasms. Last evaluated: 2018-03-06. Review status: criteria provided, single submitter. Criteria: Invitae Variant Classification Sherloc (09022015). Collection method: clinical testing. Allele origin: germline.
Comment: For these reasons, this variant has been classified as Pathogenic. Loss-of-function variants in MSH6 are known to be pathogenic (PMID: 18269114, 24362816). This variant has not been reported in the literature in individuals with MSH6-related disease. This variant is not present in population databases (ExAC no frequency). This sequence change creates a premature translational stop signal (p.Tyr505*) in the MSH6 gene. It is expected to result in an absent or disrupted protein product.

Literature cited by the submitters: PubMed 18269114 (cited by Labcorp Genetics (formerly Invitae), Labcorp); PubMed 24362816 (cited by Labcorp Genetics (formerly Invitae), Labcorp).

NM_000179.3(MSH6):c.1515T>G (p.Tyr505Ter)

Gene: MSH6 (mutS homolog 6; plus strand). Cytogenetic location: 2p16.3.
Variant type: single nucleotide variant.
Coding change: c.1515T>G on transcript NM_000179.3 (MANE Select); coding-DNA position 1515, T replaced by G.
Protein change: p.Tyr505Ter; replaces tyrosine 505 with a stop codon.
Molecular consequence: nonsense.
Genome position (GRCh38, 1-based): chr2:47,799,498, T>G. VCF-style: chr2-47799498-T-G. GRCh37 (hg19) VCF-style: chr2-48026637-T-G.
Other names: c.1125T>G, p.Tyr375Ter (NM_001281492.2); c.609T>G, p.Tyr203Ter (NM_001281493.2, NM_001281494.2); short protein forms Y505*, Y203*, Y375*.
Identifiers: ClinVar variation 582220 (VCV000582220.8), dbSNP rs878853704, ClinGen allele CA346746328.